The following is an entry in ClinVar:

NM_001868.4(CPA1):c.400C>G (p.Leu134Val)

Gene: CPA1 (carboxypeptidase A1; plus strand). Cytogenetic location: 7q32.2.
Variant type: single nucleotide variant.
Coding change: c.400C>G on transcript NM_001868.4 (MANE Select); coding-DNA position 400, C replaced by G.
Protein change: p.Leu134Val; replaces leucine 134 with valine.
Molecular consequence: missense variant.
Genome position (GRCh38, 1-based): chr7:130,382,126, C>G. VCF-style: chr7-130382126-C-G. GRCh37 (hg19) VCF-style: chr7-130021967-C-G.
Other names: short protein forms L134V.
Identifiers: ClinVar variation 3496221 (VCV003496221.1).

ClinVar aggregate classification (germline): Uncertain significance (1 of 4 stars; one submission).

Conditions:
Hereditary pancreatitis (PCTT). Also called: Hereditary chronic pancreatitis; PRSS1-Related Hereditary Pancreatitis. Identifiers: Orphanet 676, MedGen C0238339, MONDO:0008185, OMIM 167800.

Submission:

Ambry Genetics
Classification: Uncertain significance for Hereditary pancreatitis. Last evaluated: 2024-10-31. Review status: criteria provided, single submitter. Criteria: Ambry Variant Classification Scheme 2023. Collection method: clinical testing. Allele origin: germline.
Comment: The p.L134V variant (also known as c.400C>G), located in coding exon 4 of the CPA1 gene, results from a C to G substitution at nucleotide position 400. The leucine at codon 134 is replaced by valine, an amino acid with highly similar properties. This amino acid position is conserved. In addition, this alteration is predicted to be tolerated by in silico analysis. Based on the available evidence, the clinical significance of this variant remains unclear.